The following is an entry in ClinVar:

ClinVar aggregate classification (germline): Conflicting classifications of pathogenicity. Review status: criteria provided, conflicting classifications (1 of 4 stars). 3 submissions from 3 submitters: Likely pathogenic (2); Uncertain significance (1). Last evaluated 2026-03-08.

Conditions:
ABCA4-related disorder. Also called: ABCA4-related condition; ABCA4-related disorders. Identifiers: MedGen CN239167.

Allele frequency attached by ClinVar (database versions not stated): gnomAD exomes below 0.00001.

Submissions (3):

GeneDx
Classification: Likely pathogenic. Last evaluated: 2026-03-08. Review status: criteria provided, single submitter. Criteria: GeneDx Variant Classification Process June 2021. Collection method: clinical testing. Allele origin: germline.
Comment: Observed in two individuals from a cohort with inherited retinal disease: identified phase unknown with a pathogenic ABCA4 variant in one individual, and the other individual harbored another ABCA4 variant on the opposite allele (in trans) as well as a pathogenic variant on the same allele (in cis) (PMID: 33258285); Not observed in large population cohorts (gnomAD); Intronic +5 splice site variant in a gene for which loss of function is a known mechanism of disease, and both splice predictors and evolutionary conservation support a deleterious effect, although in the absence of functional evidence the actual effect of this sequence change is unknown.; This variant is associated with the following publications: (PMID: 33258285)

Labcorp Genetics (formerly Invitae), Labcorp
Classification: Uncertain significance. Last evaluated: 2025-01-21. Review status: criteria provided, single submitter. Criteria: Invitae Variant Classification Sherloc (09022015). Collection method: clinical testing. Allele origin: germline.
Comment: This sequence change falls in intron 29 of the ABCA4 gene. It does not directly change the encoded amino acid sequence of the ABCA4 protein. RNA analysis indicates that this variant induces altered splicing and may result in an absent or altered protein product. This variant is not present in population databases (gnomAD no frequency). This variant has been observed in individual(s) with ABCA4-related conditions (PMID: 33258285). ClinVar contains an entry for this variant (Variation ID: 866570). Variants that disrupt the consensus splice site are a relatively common cause of aberrant splicing (PMID: 17576681, 9536098). Studies have shown that this variant results in skipping of exon 29, and produces a non-functional protein and/or introduces a premature termination codon (PMID: 33258285). In summary, the available evidence is currently insufficient to determine the role of this variant in disease. Therefore, it has been classified as a Variant of Uncertain Significance.

Blueprint Genetics
Classification: Likely pathogenic for ABCA4-related disorders. Last evaluated: 2021-12-30. Review status: criteria provided, single submitter. Criteria: ACMG Guidelines, 2015. Collection method: clinical testing. Allele origin: germline. Affected: yes. Observed: 4 variant alleles.

Literature cited by the submitters: PubMed 33258285 (cited by Labcorp Genetics (formerly Invitae), Labcorp); PubMed 17576681 (cited by Labcorp Genetics (formerly Invitae), Labcorp); PubMed 9536098 (cited by Labcorp Genetics (formerly Invitae), Labcorp).

NM_000350.3(ABCA4):c.4352+5G>T

Gene: ABCA4 (ATP binding cassette subfamily A member 4; minus strand). Cytogenetic location: 1p22.1.
Variant type: single nucleotide variant.
Coding change: c.4352+5G>T on transcript NM_000350.3 (MANE Select); 5 bases into the intron after coding-DNA position 4352, G replaced by T.
Molecular consequence: intron variant.
Genome position (GRCh38, 1-based): chr1:94,030,423, C>A on the plus strand (G>T on the coding strand, the complement: ABCA4 is on the minus strand). VCF-style: chr1-94030423-C-A. GRCh37 (hg19) VCF-style: chr1-94495979-C-A.
Identifiers: ClinVar variation 866570 (VCV000866570.8), dbSNP rs1660166597, ClinGen allele CA916082061.